The following is an entry in ClinVar:

ClinVar aggregate classification (germline): Benign/Likely benign. Review status: criteria provided, multiple submitters, no conflicts (2 of 4 stars). 8 submissions from 8 submitters: Benign (4); Likely benign (4). Last evaluated 2026-06-01.

Conditions:
Cardiovascular phenotype. Identifiers: MedGen CN230736.
DiGeorge syndrome. Also called: THIRD AND FOURTH PHARYNGEAL POUCH SYNDROME; Catch22. Identifiers: Orphanet 567, MedGen C0012236, MONDO:0008564, OMIM 188400.

Allele frequency attached by ClinVar (database versions not stated): ESP Exome Variant Server 0.00040; 1000 Genomes Project 30x 0.00047; TOPMed 0.00078; 1000 Genomes Project 0.00300.
gnomAD v4.1: 1,380 of 1,541,462 alleles (0.09%); highest among the groups gnomAD compares: South Asian, 0.18%; 4 homozygotes.

Submissions (8):

CeGaT Center for Human Genetics Tuebingen
Classification: Likely benign. Last evaluated: 2026-06-01. Review status: criteria provided, single submitter. Criteria: CeGaT Center For Human Genetics Tuebingen Variant Classification Criteria Version 2. Collection method: clinical testing. Allele origin: germline. Affected: yes. Observed: 2 variant alleles.
Comment: TBX1: BP4, BP7, BS1

Labcorp Genetics (formerly Invitae), Labcorp
Classification: Benign for DiGeorge syndrome. Last evaluated: 2026-01-03. Review status: criteria provided, single submitter. Criteria: Invitae Variant Classification Sherloc (09022015). Collection method: clinical testing. Allele origin: germline.

Laboratory of Genetics, Children's Clinical University Hospital Latvia
Classification: Benign. Last evaluated: 2025-02-16. Review status: criteria provided, single submitter. Criteria: ACMG Guidelines, 2015. Collection method: clinical testing. Allele origin: germline. Affected: yes.

Blueprint Genetics
Classification: Likely benign. Last evaluated: 2024-10-22. Review status: criteria provided, single submitter. Criteria: ACMG Guidelines, 2015. Collection method: clinical testing. Allele origin: germline.

Women's Health and Genetics/Laboratory Corporation of America, LabCorp
Classification: Benign. Last evaluated: 2024-06-17. Review status: criteria provided, single submitter. Criteria: LabCorp Variant Classification Summary - May 2015. Collection method: clinical testing. Allele origin: germline.

GeneDx
Classification: Likely benign. Last evaluated: 2021-01-21. Review status: criteria provided, single submitter. Criteria: GeneDx Variant Classification Process June 2021. Collection method: clinical testing. Allele origin: germline. Affected: yes.

Athena Diagnostics
Classification: Benign. Last evaluated: 2017-12-08. Review status: criteria provided, single submitter. Criteria: Athena Diagnostics Criteria. Collection method: clinical testing. Allele origin: germline.

Ambry Genetics
Classification: Likely benign for Cardiovascular phenotype. Last evaluated: 2015-06-24. Review status: criteria provided, single submitter. Criteria: Ambry Variant Classification Scheme 2023. Collection method: clinical testing. Allele origin: germline.

NM_001379200.1(TBX1):c.1380T>C (p.His460=)

Gene: TBX1 (T-box transcription factor 1; plus strand). Cytogenetic location: 22q11.21.
Variant type: single nucleotide variant.
Coding change: c.1380T>C on transcript NM_001379200.1 (MANE Select); coding-DNA position 1380, T replaced by C.
Protein change: p.His460=; no amino-acid change (histidine 460 retained).
Molecular consequence: synonymous variant. On other transcripts: intron variant (2).
Genome position (GRCh38, 1-based): chr22:19,766,732, T>C. VCF-style: chr22-19766732-T-C. GRCh37 (hg19) VCF-style: chr22-19754255-T-C.
Other names: c.1353T>C, p.His451= (NM_080647.1); c.1009+730T>C (NM_005992.1, NM_080646.2).
Identifiers: ClinVar variation 518488 (VCV000518488.36), dbSNP rs367711718, ClinGen allele CA10102730.